The following is an entry in ClinVar:

NM_198525.3(KIF7):c.3906G>A (p.Leu1302=)

Gene: KIF7 (kinesin family member 7; minus strand). Cytogenetic location: 15q26.1.
Variant type: single nucleotide variant.
Coding change: c.3906G>A on transcript NM_198525.3 (MANE Select); coding-DNA position 3906, G replaced by A.
Protein change: p.Leu1302=; no amino-acid change (leucine 1302 retained).
Molecular consequence: synonymous variant.
Genome position (GRCh38, 1-based): chr15:89,628,545, C>T on the plus strand (G>A on the coding strand, the complement: KIF7 is on the minus strand). VCF-style: chr15-89628545-C-T. GRCh37 (hg19) VCF-style: chr15-90171776-C-T.
Identifiers: ClinVar variation 766967 (VCV000766967.40), dbSNP rs142246932, ClinGen allele CA7727484.

ClinVar aggregate classification (germline): Likely benign. Review status: criteria provided, multiple submitters, no conflicts (2 of 4 stars). 4 submissions from 4 submitters: Likely benign (4). Last evaluated 2026-02-01.

Conditions:
Acrocallosal syndrome (ACLS). Also called: Schinzel syndrome 1; Absence of corpus callosum with unusual facial appearance, mental deficiency, duplication of the halluces and polydactyly; HALLUX DUPLICATION, POSTAXIAL POLYDACTYLY, AND ABSENCE OF CORPUS CALLOSUM. Identifiers: Orphanet 36, MedGen C0796147, MONDO:0008708, OMIM 200990.

Allele frequency attached by ClinVar (database versions not stated): ExAC 0.00019; gnomAD exomes 0.00023; TOPMed 0.00027; gnomAD 0.00028 and 0.00029; ESP Exome Variant Server 0.00039.
gnomAD v4.1: 534 of 1,613,198 alleles (0.033%); highest among the groups gnomAD compares: Non-Finnish European, 0.04%; no homozygotes.

Submissions (4):

CeGaT Center for Human Genetics Tuebingen
Classification: Likely benign. Last evaluated: 2026-02-01. Review status: criteria provided, single submitter. Criteria: CeGaT Center For Human Genetics Tuebingen Variant Classification Criteria Version 2. Collection method: clinical testing. Allele origin: germline. Affected: yes. Observed: 3 variant alleles.
Comment: KIF7: BP4, BP7

Labcorp Genetics (formerly Invitae), Labcorp
Classification: Likely benign for Acrocallosal syndrome. Last evaluated: 2026-01-24. Review status: criteria provided, single submitter. Criteria: Invitae Variant Classification Sherloc (09022015). Collection method: clinical testing. Allele origin: germline.

Blueprint Genetics
Classification: Likely benign. Last evaluated: 2024-08-23. Review status: criteria provided, single submitter. Criteria: ACMG Guidelines, 2015. Collection method: clinical testing. Allele origin: germline.

GeneDx
Classification: Likely benign. Last evaluated: 2021-02-23. Review status: criteria provided, single submitter. Criteria: GeneDx Variant Classification Process June 2021. Collection method: clinical testing. Allele origin: germline. Affected: yes.